The following is an entry in ClinVar:

NM_021930.6(RINT1):c.545A>G (p.Asn182Ser)

Gene: RINT1 (RAD50 interactor 1; plus strand). Cytogenetic location: 7q22.3.
Variant type: single nucleotide variant.
Coding change: c.545A>G on transcript NM_021930.6 (MANE Select); coding-DNA position 545, A replaced by G.
Protein change: p.Asn182Ser; replaces asparagine 182 with serine.
Molecular consequence: missense variant. On other transcripts: 5 prime UTR variant (2), non-coding transcript variant (1), intron variant (1).
Genome position (GRCh38, 1-based): chr7:105,546,939, A>G. VCF-style: chr7-105546939-A-G. GRCh37 (hg19) VCF-style: chr7-105187386-A-G.
Other names: c.311A>G, p.Asn104Ser (NM_001346599.2); c.-475A>G (NM_001346600.2); c.-378A>G (NM_001346601.2); c.-27-3116A>G (NM_001346603.2); short protein forms N104S, N182S.
Identifiers: ClinVar variation 2152302 (VCV002152302.4), dbSNP rs759246226, ClinGen allele CA4426465.
Genomic context (GRCh38, chr7:105,546,939, plus strand): 5'-GAAAAAAAAATTTGCTTTACTTTGTTTACAGTGATAACATTCAGCAATATCTGATGACCA[A>G]TAATGTACCGGAGGCAGCCTCCACTCTAGTGTCTATGGCAGAACTTGACATTAAACTTCA-3'
Protein context (NP_068749.3, residues 172-192): SDNIQQYLMT[Asn182Ser]NVPEAASTLV

ClinVar aggregate classification (germline): Uncertain significance (1 of 4 stars; one submission).

Allele frequency attached by ClinVar (database versions not stated): ExAC 0.00002; gnomAD exomes below 0.00001.

Submission:

Labcorp Genetics (formerly Invitae), Labcorp
Classification: Uncertain significance. Last evaluated: 2022-03-19. Review status: criteria provided, single submitter. Criteria: Invitae Variant Classification Sherloc (09022015). Collection method: clinical testing. Allele origin: germline.
Comment: This sequence change replaces asparagine, which is neutral and polar, with serine, which is neutral and polar, at codon 182 of the RINT1 protein (p.Asn182Ser). This variant is present in population databases (rs759246226, gnomAD 0.01%). This variant has not been reported in the literature in individuals affected with RINT1-related conditions. Algorithms developed to predict the effect of missense changes on protein structure and function output the following: SIFT: "Tolerated"; PolyPhen-2: "Benign"; Align-GVGD: "Class C0". The serine amino acid residue is found in multiple mammalian species, which suggests that this missense change does not adversely affect protein function. In summary, the available evidence is currently insufficient to determine the role of this variant in disease. Therefore, it has been classified as a Variant of Uncertain Significance.